The following is an entry in ClinVar:

ClinVar aggregate classification (germline): Uncertain significance. Review status: criteria provided, multiple submitters, no conflicts (2 of 4 stars). 3 submissions from 3 submitters: Uncertain significance (3). Last evaluated 2024-05-20.

Conditions:
Inborn genetic diseases. Identifiers: MedGen C0950123, MeSH D030342.
Deficiency of galactokinase. Also called: Galactokinase deficiency with cataracts; GALACTOSEMIA II. Identifiers: Orphanet 352, Orphanet 79237, MedGen C0268155, MONDO:0009255, OMIM 230200.

Allele frequency attached by ClinVar (database versions not stated): TOPMed 0.00009; ExAC 0.00026.
gnomAD v4.1: 40 of 1,596,008 alleles (0.0025%); highest among the groups gnomAD compares: Admixed American, 0.07%; no homozygotes.

Submissions (3):

Labcorp Genetics (formerly Invitae), Labcorp
Classification: Uncertain significance for Deficiency of galactokinase. Last evaluated: 2024-05-20. Review status: criteria provided, single submitter. Criteria: Invitae Variant Classification Sherloc (09022015). Collection method: clinical testing. Allele origin: germline.
Comment: This sequence change replaces alanine, which is neutral and non-polar, with aspartic acid, which is acidic and polar, at codon 19 of the GALK1 protein (p.Ala19Asp). This variant is present in population databases (rs761374448, gnomAD 0.1%). This variant has not been reported in the literature in individuals affected with GALK1-related conditions. ClinVar contains an entry for this variant (Variation ID: 1959723). Advanced modeling of protein sequence and biophysical properties (such as structural, functional, and spatial information, amino acid conservation, physicochemical variation, residue mobility, and thermodynamic stability) performed at Invitae indicates that this missense variant is not expected to disrupt GALK1 protein function with a negative predictive value of 80%. In summary, the available evidence is currently insufficient to determine the role of this variant in disease. Therefore, it has been classified as a Variant of Uncertain Significance.

Ambry Genetics
Classification: Uncertain significance for Inborn genetic diseases. Last evaluated: 2024-04-01. Review status: criteria provided, single submitter. Criteria: Ambry Variant Classification Scheme 2023. Collection method: clinical testing. Allele origin: germline.

3billion
Classification: Uncertain significance for Deficiency of galactokinase. Last evaluated: 2023-09-04. Review status: criteria provided, single submitter. Criteria: ACMG Guidelines, 2015. Collection method: clinical testing. Allele origin: germline. Affected: yes.
Comment: The variant is observed at an extremely low frequency in the gnomAD v2.1.1 dataset (total allele frequency: 0.016%). Predicted Consequence/Location: Missense variant Therefore, this variant is classified as VUS according to the recommendation of ACMG/AMP guideline.

NM_000154.2(GALK1):c.56C>A (p.Ala19Asp)

Gene: GALK1 (galactokinase 1; minus strand). Cytogenetic location: 17q25.1.
Variant type: single nucleotide variant.
Coding change: c.56C>A on transcript NM_000154.2 (MANE Select); coding-DNA position 56, C replaced by A.
Protein change: p.Ala19Asp; replaces alanine 19 with aspartic acid.
Molecular consequence: missense variant.
Genome position (GRCh38, 1-based): chr17:75,765,081, G>T on the plus strand (C>A on the coding strand, the complement: GALK1 is on the minus strand). VCF-style: chr17-75765081-G-T. GRCh37 (hg19) VCF-style: chr17-73761162-G-T.
Other names: c.56C>A, p.Ala19Asp (NM_001381985.1); c.56C>A (NM_000154.1); short protein forms A19D.
Identifiers: ClinVar variation 1959723 (VCV001959723.5), dbSNP rs761374448, ClinGen allele CA8771152.